The following is an entry in ClinVar:

NM_001365999.1(SZT2):c.1006C>A (p.Leu336Met)

Gene: SZT2 (SZT2 subunit of KICSTOR complex; plus strand). Cytogenetic location: 1p34.2.
Variant type: single nucleotide variant.
Coding change: c.1006C>A on transcript NM_001365999.1 (MANE Select); coding-DNA position 1006, C replaced by A.
Protein change: p.Leu336Met; replaces leucine 336 with methionine.
Molecular consequence: missense variant.
Genome position (GRCh38, 1-based): chr1:43,419,860, C>A. VCF-style: chr1-43419860-C-A. GRCh37 (hg19) VCF-style: chr1-43885531-C-A.
Other names: c.1006C>A (NM_015284.3); c.1006C>A, p.Leu336Met (NM_015284.4); short protein forms L336M.
Identifiers: ClinVar variation 1422372 (VCV001422372.4), dbSNP rs1329813278, ClinGen allele CA340006093.
Genomic context (GRCh38, chr1:43,419,860, plus strand): 5'-ATCGCAATGGCAACATTTGGGTCCTACCTGTCCACTTGTCCTGAGCCGGAGCCAGGCAAC[C>A]TGGGTCTGACTGTCTACCACCGGGCATTTCTCCTCTATTCCTTCCTGCGCAGTGGGGAAG-3'
Protein context (NP_001352928.1, residues 326-346): STCPEPEPGN[Leu336Met]GLTVYHRAFL

ClinVar aggregate classification (germline): Uncertain significance. Review status: criteria provided, multiple submitters, no conflicts (2 of 4 stars). 2 submissions from 2 submitters: Uncertain significance (2). Last evaluated 2025-08-28.

Conditions:
Inborn genetic diseases. Identifiers: MedGen C0950123, MeSH D030342.

Allele frequency attached by ClinVar (database versions not stated): gnomAD exomes below 0.00001 and 0.00001.
gnomAD v4.1: 11 of 1,598,470 alleles (0.00069%); highest among the groups gnomAD compares: Non-Finnish European, 0.00093%; no homozygotes.

Submissions (2):

Ambry Genetics
Classification: Uncertain significance for Inborn genetic diseases. Last evaluated: 2025-08-28. Review status: criteria provided, single submitter. Criteria: Ambry Variant Classification Scheme 2023. Collection method: clinical testing. Allele origin: germline.

Labcorp Genetics (formerly Invitae), Labcorp
Classification: Uncertain significance. Last evaluated: 2022-01-17. Review status: criteria provided, single submitter. Criteria: Invitae Variant Classification Sherloc (09022015). Collection method: clinical testing. Allele origin: germline.
Comment: This sequence change replaces leucine, which is neutral and non-polar, with methionine, which is neutral and non-polar, at codon 336 of the SZT2 protein (p.Leu336Met). This variant is present in population databases (no rsID available, gnomAD 0.001%). This variant has not been reported in the literature in individuals affected with SZT2-related conditions. Algorithms developed to predict the effect of missense changes on protein structure and function (SIFT, PolyPhen-2, Align-GVGD) all suggest that this variant is likely to be tolerated. In summary, the available evidence is currently insufficient to determine the role of this variant in disease. Therefore, it has been classified as a Variant of Uncertain Significance.